The following is an entry in ClinVar:

ClinVar aggregate classification (germline): Uncertain significance (1 of 4 stars; one submission).

Conditions:
Hereditary cancer-predisposing syndrome. Also called: Neoplastic Syndromes, Hereditary; Tumor predisposition; Hereditary Cancer Syndrome; Hereditary neoplastic syndrome. Identifiers: Orphanet 140162, MedGen C0027672, MeSH D009386, MONDO:0015356.

Allele frequency attached by ClinVar (database versions not stated): gnomAD exomes below 0.00001.
gnomAD v4.1: 2 of 1,613,844 alleles (0.00012%); highest among the groups gnomAD compares: Non-Finnish European, 0.000085%; no homozygotes.

Submission:

Ambry Genetics
Classification: Uncertain significance for Hereditary cancer-predisposing syndrome. Last evaluated: 2014-08-25. Review status: criteria provided, single submitter. Criteria: Ambry Variant Classification Scheme 2023. Collection method: clinical testing. Allele origin: germline.
Comment: The p.V376I variant (also known as c.1126G>A), located in coding exon 6 of the RET gene, results from a G to A substitution at nucleotide position 1126. The valine at codon 376 is replaced by isoleucine, an amino acid with highly similar properties. This variant was not reported in population based cohorts in the following databases: Database of Single Nucleotide Polymorphisms (dbSNP), NHLBI Exome Sequencing Project (ESP), and 1000 Genomes Project. In the ESP, this variant was not observed in 6503 samples (13,006 alleles) with coverage at this position. To date, this alteration has been detected with an allele frequency of approximately 0.08% (greater than 1300 alleles tested) in our clinical cohort. This amino acid position is highly conserved in available vertebrate species. In addition, this alteration is predicted to be possibly damaging by PolyPhen but tolerated by SIFT in silico analyses. Since supporting evidence is limited at this time, the clinical significance of p.V376I remains unclear.

NM_020975.6(RET):c.1126G>A (p.Val376Ile)

Gene: RET (ret proto-oncogene; plus strand). Cytogenetic location: 10q11.21.
Variant type: single nucleotide variant.
Coding change: c.1126G>A on transcript NM_020975.6 (MANE Select); coding-DNA position 1126, G replaced by A.
Protein change: p.Val376Ile; replaces valine 376 with isoleucine.
Molecular consequence: missense variant.
Genome position (GRCh38, 1-based): chr10:43,109,093, G>A. VCF-style: chr10-43109093-G-A. GRCh37 (hg19) VCF-style: chr10-43604541-G-A.
Other names: c.1126G>A, p.Val376Ile (NM_000323.2, NM_001406743.1, NM_001406744.1 and 6 more transcripts); c.364G>A, p.Val122Ile (NM_001355216.2); c.997G>A, p.Val333Ile (NM_001406761.1, NM_001406762.1, NM_001406764.1 and 1 more transcripts); c.838G>A, p.Val280Ile (NM_001406766.1, NM_001406767.1, NM_001406770.1); c.688G>A, p.Val230Ile (NM_001406771.1, NM_001406773.1); c.400G>A, p.Val134Ile (NM_001406775.1, NM_001406776.1, NM_001406777.1 and 1 more transcripts); c.136G>A, p.Val46Ile (NM_001406784.1); short protein forms V333I, V122I, V134I, V230I, V280I, V376I, V46I.
Identifiers: ClinVar variation 1799202 (VCV001799202.2), dbSNP rs2132744264, ClinGen allele CA376547395.